The following is an entry in ClinVar:

ClinVar aggregate classification (germline): Uncertain significance (1 of 4 stars; one submission).

Conditions:
Beck-Fahrner syndrome (BEFAHRS). Identifiers: Orphanet 684216, MedGen C5394097, MONDO:0032922, OMIM 618798.

gnomAD v4.1: 352 of 1,612,626 alleles (0.022%); highest among the groups gnomAD compares: East Asian, 0.42%; 3 homozygotes.

Submission:

Pittsburgh Clinical Genomics Laboratory, University of Pittsburgh Medical Center
Classification: Uncertain significance for Beck-Fahrner syndrome. Last evaluated: 2024-06-28. Review status: criteria provided, single submitter. Criteria: ACMG Guidelines, 2015. Collection method: clinical testing. Allele origin: germline. Inheritance: Autosomal unknown. Affected: yes.
Comment: This sequence variant is a single nucleotide substitution (C>G) at coding nucleotide 1925 in the TET3 gene which results in an alanine to glycine amino acid change at residue 642 in the TET3 protein. This variant has not been previously reported in the literature or medical genetics databases in individuals with TET3-related disease, to our knowledge. This variant is present in 68/277022 alleles (0.02%) in the gnomAD v2.1.1 population dataset. Multiple bioinformatic tools predict that this amino acid change is likely to be tolerated, though the Ala642 residue is highly conserved in mammals. Functiol studies assessing the effect of this variant on protein structure or activity have not been performed, to our knowledge. At this time, there is insufficient evidence to determine if this variant is pathogenic or benign. Therefore, we consider it to be a variant of uncertain significance. ACMG Criteria: BP4

NM_001287491.2(TET3):c.1925C>G (p.Ala642Gly)

Gene: TET3 (tet methylcytosine dioxygenase 3; plus strand). Cytogenetic location: 2p13.1.
Variant type: single nucleotide variant.
Coding change: c.1925C>G on transcript NM_001287491.2 (MANE Select); coding-DNA position 1925, C replaced by G.
Protein change: p.Ala642Gly; replaces alanine 642 with glycine.
Molecular consequence: missense variant.
Genome position (GRCh38, 1-based): chr2:74,047,842, C>G. VCF-style: chr2-74047842-C-G. GRCh37 (hg19) VCF-style: chr2-74274969-C-G.
Other names: c.1646C>G, p.Ala549Gly (NM_001366022.1); short protein forms A549G, A642G.
Identifiers: ClinVar variation 3376166 (VCV003376166.1).